The following is an entry in ClinVar:

NM_005477.3(HCN4):c.1133G>A (p.Arg378His)

Genes: HCN4 (hyperpolarization activated cyclic nucleotide gated potassium channel 4; minus strand), LOC105370890 (uncharacterized LOC105370890; plus strand), LOC126862173 (CDK7 strongly-dependent group 2 enhancer GRCh37_chr15:73635762-73636961; plus strand). Cytogenetic location: 15q24.1.
Variant type: single nucleotide variant.
Coding change: c.1133G>A on transcript NM_005477.3 (MANE Select); coding-DNA position 1133, G replaced by A.
Protein change: p.Arg378His; replaces arginine 378 with histidine.
Molecular consequence: missense variant.
Genome position (GRCh38, 1-based): chr15:73,343,461, C>T on the plus strand (G>A on the coding strand, the complement: HCN4 is on the minus strand). VCF-style: chr15-73343461-C-T. GRCh37 (hg19) VCF-style: chr15-73635802-C-T.
Other names: short protein forms R378H.
Identifiers: ClinVar variation 1019873 (VCV001019873.9), dbSNP rs1347790774, ClinGen allele CA393094784.

ClinVar aggregate classification (germline): Uncertain significance (1 of 4 stars; one submission).

Conditions:
Brugada syndrome 8 (BRGDA8). Identifiers: Orphanet 130, MedGen C2751083, MONDO:0013148, OMIM 613123.

Allele frequency attached by ClinVar (database versions not stated): gnomAD exomes below 0.00001.
gnomAD v4.1: 5 of 1,614,190 alleles (0.00031%); highest among the groups gnomAD compares: Non-Finnish European, 0.00034%; no homozygotes.

Submission:

Labcorp Genetics (formerly Invitae), Labcorp
Classification: Uncertain significance for Brugada syndrome 8. Last evaluated: 2025-10-27. Review status: criteria provided, single submitter. Criteria: Invitae Variant Classification Sherloc (09022015). Collection method: clinical testing. Allele origin: germline.
Comment: This sequence change replaces arginine, which is basic and polar, with histidine, which is basic and polar, at codon 378 of the HCN4 protein (p.Arg378His). This variant is present in population databases (no rsID available, gnomAD no frequency). This variant has not been reported in the literature in individuals affected with HCN4-related conditions. ClinVar contains an entry for this variant (Variation ID: 1019873). Invitae Evidence Modeling of protein sequence and biophysical properties (such as structural, functional, and spatial information, amino acid conservation, physicochemical variation, residue mobility, and thermodynamic stability) indicates that this missense variant is expected to disrupt HCN4 protein function with a positive predictive value of 95%. In summary, the available evidence is currently insufficient to determine the role of this variant in disease. Therefore, it has been classified as a Variant of Uncertain Significance.